The following is an entry in ClinVar:

NM_001271.4(CHD2):c.4058C>T (p.Pro1353Leu)

Gene: CHD2 (chromodomain helicase DNA binding protein 2; plus strand). Cytogenetic location: 15q26.1.
Variant type: single nucleotide variant.
Coding change: c.4058C>T on transcript NM_001271.4 (MANE Select); coding-DNA position 4058, C replaced by T.
Protein change: p.Pro1353Leu; replaces proline 1353 with leucine.
Molecular consequence: missense variant.
Genome position (GRCh38, 1-based): chr15:93,000,561, C>T. VCF-style: chr15-93000561-C-T. GRCh37 (hg19) VCF-style: chr15-93543791-C-T.
Other names: short protein forms P1353L.
Identifiers: ClinVar variation 425079 (VCV000425079.64), dbSNP rs755088564, ClinGen allele CA7748365.

ClinVar aggregate classification (germline): Conflicting classifications of pathogenicity. Review status: criteria provided, conflicting classifications (1 of 4 stars). 9 submissions from 9 submitters: Uncertain significance (2); Benign (1); Likely benign (4). 2 of the submissions do not count toward it. Last evaluated 2026-03-27.

Conditions:
CHD2-related disorder. Also called: CHD2-related condition.
Complex neurodevelopmental disorder. Identifiers: Orphanet 528084, MedGen C5568766, MONDO:0100038.
Self-limited epilepsy with centrotemporal spikes. Also called: Rolandic epilepsy; Childhood epilepsy with centrotemporal spikes. Identifiers: Orphanet 1945, MedGen C0376532, MONDO:0007295.
Inborn genetic diseases. Identifiers: MedGen C0950123, MeSH D030342.
Developmental and epileptic encephalopathy 94 (DEE94). Also called: Epileptic encephalopathy, childhood-onset; CHD2-Related Neurodevelopmental Disorders. Identifiers: Orphanet 1942, Orphanet 2382, MedGen C3809278, MONDO:0014150, OMIM 615369.

Allele frequency attached by ClinVar (database versions not stated): ExAC 0.00007; gnomAD exomes 0.00008 and 0.00014; gnomAD 0.00009; TOPMed 0.00010.
gnomAD v4.1: 220 of 1,613,496 alleles (0.014%); highest among the groups gnomAD compares: Non-Finnish European, 0.018%; no homozygotes.

Submissions (9):

Ambry Genetics
Classification: Likely benign for Inborn genetic diseases. Last evaluated: 2026-03-27. Review status: criteria provided, single submitter. Criteria: Ambry Variant Classification Scheme 2023. Collection method: clinical testing. Allele origin: germline.

Labcorp Genetics (formerly Invitae), Labcorp
Classification: Benign for Developmental and epileptic encephalopathy 94. Last evaluated: 2025-12-30. Review status: criteria provided, single submitter. Criteria: Invitae Variant Classification Sherloc (09022015). Collection method: clinical testing. Allele origin: germline.

Blueprint Genetics
Classification: Likely benign. Last evaluated: 2024-11-27. Review status: criteria provided, single submitter. Criteria: ACMG Guidelines, 2015. Collection method: clinical testing. Allele origin: germline.

Department of Pathology and Laboratory Medicine, Sinai Health System
Classification: Likely benign for complex neurodevelopmental disorder. Last evaluated: 2023-01-31. Review status: criteria provided, single submitter. Criteria: ACMG Guidelines, 2015. Collection method: research. Allele origin: germline.

GeneDx
Classification: Likely benign. Last evaluated: 2021-08-18. Review status: criteria provided, single submitter. Criteria: GeneDx Variant Classification Process June 2021. Collection method: clinical testing. Allele origin: germline. Affected: yes.
Comment: This variant is associated with the following publications: (PMID: 29358611)

Revvity Omics, Revvity
Classification: Uncertain significance for Developmental and epileptic encephalopathy 94. Last evaluated: 2021-03-17. Review status: criteria provided, single submitter. Criteria: ACMG Guidelines, 2015. Collection method: clinical testing. Allele origin: germline.

CeGaT Center for Human Genetics Tuebingen
Classification: Uncertain significance. Last evaluated: 2016-11-01. Review status: criteria provided, single submitter. Criteria: CeGaT Center For Human Genetics Tuebingen Variant Classification Criteria Version 2. Collection method: clinical testing. Allele origin: germline. Affected: yes. Observed: 1 variant allele.

PreventionGenetics, part of Exact Sciences
Classification: Likely benign for CHD2-related condition. Last evaluated: 2022-08-25. Review status: no assertion criteria provided. Collection method: clinical testing. Allele origin: germline. Not counted in ClinVar's aggregate classification.
Comment: This variant is classified as likely benign based on ACMG/AMP sequence variant interpretation guidelines (Richards et al. 2015 PMID: 25741868, with internal and published modifications).

Bioinformatics Core, Luxembourg Center for Systems Biomedicine
Classification: Pathogenic for Self-limited epilepsy with centrotemporal spikes. Last evaluated: 2017-01-01. Review status: no assertion criteria provided. Collection method: case-control. Allele origin: germline. Affected: yes. Study: EUROEPINOMICS COGIE. Not counted in ClinVar's aggregate classification.

Literature cited by the submitters: PubMed 29358611 (cited by Bioinformatics Core, Luxembourg Center for Systems Biomedicine).